The following is an entry in ClinVar:

ClinVar aggregate classification (germline): Likely pathogenic (1 of 4 stars; one submission).

Conditions:
Pheochromocytoma. Also called: MAX-Related Hereditary Paraganglioma-Pheochromocytoma Syndrome. Identifiers: Orphanet 29072, MedGen C0031511, MONDO:0008233, OMIM 171300, HP:0002666.
Pheochromocytoma/paraganglioma syndrome 4. Also called: CAROTID BODY TUMORS AND MULTIPLE EXTRAADRENAL PHEOCHROMOCYTOMAS; PARAGANGLIOMA, FAMILIAL MALIGNANT; PARAGANGLIOMAS, HEREDITARY EXTRAADRENAL; PHEOCHROMOCYTOMA, FAMILIAL EXTRAADRENAL; Paragangliomas 4; SDHB-Related Hereditary Paraganglioma-Pheochromocytoma Syndrome (Paragangliomas 4). Identifiers: Orphanet 29072, MedGen C1861848, MONDO:0007273, OMIM 115310.
Gastrointestinal stromal tumor. Also called: Gastrointestinal stroma tumor; Gastrointestinal stromal tumor, somatic. Identifiers: Orphanet 44890, MedGen C0238198, MeSH D046152, MONDO:0011719, OMIM 606764, HP:0100723.

Submission:

Labcorp Genetics (formerly Invitae), Labcorp
Classification: Likely pathogenic for Gastrointestinal stromal tumor; Pheochromocytoma/paraganglioma syndrome 4; Pheochromocytoma. Last evaluated: 2023-11-27. Review status: criteria provided, single submitter. Criteria: Invitae Variant Classification Sherloc (09022015). Collection method: clinical testing. Allele origin: germline.
Comment: This variant, c.258_260dup, results in the insertion of 1 amino acid(s) of the SDHB protein (p.Thr86_Leu87insPhe), but otherwise preserves the integrity of the reading frame. This variant is not present in population databases (gnomAD no frequency). This variant has been observed in individual(s) with clinical features of paraganglioma-pheochromocytoma syndrome (Invitae). In at least one individual the variant was observed to be de novo. ClinVar contains an entry for this variant (Variation ID: 1411641). Experimental studies and prediction algorithms are not available or were not evaluated, and the functional significance of this variant is currently unknown. In summary, the currently available evidence indicates that the variant is pathogenic, but additional data are needed to prove that conclusively. Therefore, this variant has been classified as Likely Pathogenic.

NM_003000.3(SDHB):c.258_260dup (p.Thr86_Leu87insPhe)

Gene: SDHB (succinate dehydrogenase complex iron sulfur subunit B; minus strand). Cytogenetic location: 1p36.13.
Variant type: Duplication.
Coding change: c.258_260dup on transcript NM_003000.3 (MANE Select); coding-DNA positions 258 to 260, 3 bases duplicated (TTT; older notation c.258_260dupTTT).
Protein change: p.Thr86_Leu87insPhe.
Molecular consequence: inframe insertion.
Genome position (GRCh38, 1-based): chr1:17,033,086-17,033,088, AAA duplicated on the plus strand (TTT on the coding strand, the reverse complement: SDHB is on the minus strand). VCF-style (leftmost placement, unchanged base first): chr1-17033085-C-CAAA. GRCh37 (hg19) VCF-style: chr1-17359580-C-CAAA.
Identifiers: ClinVar variation 1411641 (VCV001411641.8), dbSNP rs2101528919, ClinGen allele CA2573130546.